The following is an entry in ClinVar:

ClinVar aggregate classification (germline): Likely benign (1 of 4 stars; one submission).

Allele frequency attached by ClinVar (database versions not stated): ExAC 0.00003; gnomAD exomes 0.00005; gnomAD 0.00006; TOPMed 0.00013.
gnomAD v4.1: 64 of 1,206,599 alleles (0.0053%); highest among the groups gnomAD compares: Non-Finnish European, 0.0068%; no homozygotes.

Submission:

CeGaT Center for Human Genetics Tuebingen
Classification: Likely benign. Last evaluated: 2023-03-01. Review status: criteria provided, single submitter. Criteria: CeGaT Center For Human Genetics Tuebingen Variant Classification Criteria Version 2. Collection method: clinical testing. Allele origin: germline. Affected: yes. Observed: 1 variant allele.
Comment: ADGRG4: BP4, BP7, BS2

NM_153834.4(ADGRG4):c.7098A>G (p.Gln2366=)

Gene: ADGRG4 (adhesion G protein-coupled receptor G4; plus strand). Cytogenetic location: Xq26.3.
Variant type: single nucleotide variant.
Coding change: c.7098A>G on transcript NM_153834.4 (MANE Select); coding-DNA position 7098, A replaced by G.
Protein change: p.Gln2366=; no amino-acid change (glutamine 2366 retained).
Molecular consequence: synonymous variant.
Genome position (GRCh38, 1-based): chrX:136,359,409, A>G. VCF-style: chrX-136359409-A-G. GRCh37 (hg19) VCF-style: chrX-135441568-A-G.
Identifiers: ClinVar variation 2661514 (VCV002661514.24), dbSNP rs774881230, ClinGen allele CA10526876.
Genomic context (GRCh38, chrX:136,359,409, plus strand): 5'-GAGAAAAATCAAAAGTAAAATACATGGCAACTTCACACATGGAAACTTCACACAAGATCA[A>G]TTGACGTTATTAGTAAACTGTGAACACGTTGCAGTGAAAAAACTAGGTAATTTTTTTGGG-3'
Protein context (NP_722576.3, residues 2356-2376): NFTHGNFTQD[Gln2366=]LTLLVNCEHV